The following is an entry in ClinVar:

ClinVar aggregate classification (germline): Uncertain significance. Review status: criteria provided, multiple submitters, no conflicts (2 of 4 stars). 3 submissions from 3 submitters: Uncertain significance (3). Last evaluated 2024-11-14.

Conditions:
Fanconi anemia (FA). Also called: Fanconi's anemia. Identifiers: Orphanet 84, MedGen C0015625, MeSH D005199, MONDO:0019391.

Allele frequency attached by ClinVar (database versions not stated): gnomAD 0.00001; gnomAD exomes 0.00001 and 0.00003; TOPMed 0.00001; ExAC 0.00002; 1000 Genomes Project 0.00020; 1000 Genomes Project 30x 0.00031.
gnomAD v4.1: 52 of 1,613,252 alleles (0.0032%); highest among the groups gnomAD compares: Non-Finnish European, 0.0043%; 1 homozygote.

Submissions (3):

GeneDx
Classification: Uncertain significance. Last evaluated: 2024-11-14. Review status: criteria provided, single submitter. Criteria: GeneDx Variant Classification Process June 2021. Collection method: clinical testing. Allele origin: germline. Affected: yes.
Comment: Not observed at significant frequency in large population cohorts (gnomAD); In silico analysis indicates that this missense variant does not alter protein structure/function; Has not been previously published as pathogenic or benign to our knowledge

Quest Diagnostics Nichols Institute San Juan Capistrano
Classification: Uncertain significance. Last evaluated: 2024-09-06. Review status: criteria provided, single submitter. Criteria: Quest Diagnostics criteria. Collection method: clinical testing. Allele origin: unknown.
Comment: The FANCM c.2791A>G (p.Asn931Asp) variant has been reported in the published literature in an individual with breast cancer and a reportedly healthy individual (PMID: 36707629 (2023)). The frequency of this variant in the general population, 0.000008 (2/250448 chromosomes (Genome Aggregation Database)), is uninformative in the assessment of its pathogenicity. Analysis of this variant using bioinformatics tools for the prediction of the effect of amino acid changes on protein structure and function yielded predictions that this variant is benign. Based on the available information, we are unable to determine the clinical significance of this variant.

Labcorp Genetics (formerly Invitae), Labcorp
Classification: Uncertain significance for Fanconi anemia. Last evaluated: 2023-08-22. Review status: criteria provided, single submitter. Criteria: Invitae Variant Classification Sherloc (09022015). Collection method: clinical testing. Allele origin: germline.
Comment: This variant is present in population databases (rs142798313, gnomAD 0.002%). This sequence change replaces asparagine, which is neutral and polar, with aspartic acid, which is acidic and polar, at codon 931 of the FANCM protein (p.Asn931Asp). Algorithms developed to predict the effect of missense changes on protein structure and function output the following: SIFT: "Not Available"; PolyPhen-2: "Benign"; Align-GVGD: "Not Available". The aspartic acid amino acid residue is found in multiple mammalian species, which suggests that this missense change does not adversely affect protein function. ClinVar contains an entry for this variant (Variation ID: 839796). This variant has not been reported in the literature in individuals affected with FANCM-related conditions. In summary, the available evidence is currently insufficient to determine the role of this variant in disease. Therefore, it has been classified as a Variant of Uncertain Significance.

Literature cited by the submitters: PubMed 36707629 (cited by Quest Diagnostics Nichols Institute San Juan Capistrano).

NM_020937.4(FANCM):c.2791A>G (p.Asn931Asp)

Gene: FANCM (FA complementation group M; plus strand). Cytogenetic location: 14q21.2.
Variant type: single nucleotide variant.
Coding change: c.2791A>G on transcript NM_020937.4 (MANE Select); coding-DNA position 2791, A replaced by G.
Protein change: p.Asn931Asp; replaces asparagine 931 with aspartic acid.
Molecular consequence: missense variant.
Genome position (GRCh38, 1-based): chr14:45,175,545, A>G. VCF-style: chr14-45175545-A-G. GRCh37 (hg19) VCF-style: chr14-45644748-A-G.
Other names: c.2791A>G (NM_020937.3); c.2713A>G, p.Asn905Asp (NM_001308133.2); short protein forms N931D, N905D.
Identifiers: ClinVar variation 839796 (VCV000839796.12), dbSNP rs142798313, ClinGen allele CA7169411.